The following is an entry in ClinVar:

NM_144997.7(FLCN):c.1309G>A (p.Val437Ile)

Gene: FLCN (folliculin; minus strand). Cytogenetic location: 17p11.2.
Variant type: single nucleotide variant.
Coding change: c.1309G>A on transcript NM_144997.7 (MANE Select); coding-DNA position 1309, G replaced by A.
Protein change: p.Val437Ile; replaces valine 437 with isoleucine.
Molecular consequence: missense variant.
Genome position (GRCh38, 1-based): chr17:17,215,308, C>T on the plus strand (G>A on the coding strand, the complement: FLCN is on the minus strand). VCF-style: chr17-17215308-C-T. GRCh37 (hg19) VCF-style: chr17-17118622-C-T.
Other names: c.1363G>A, p.Val455Ile (NM_001353229.2); c.1309G>A, p.Val437Ile (NM_001353230.2, NM_001353231.2); short protein forms V455I, V437I.
Identifiers: ClinVar variation 4257918 (VCV004257918.2).
Genomic context (GRCh38, chr17:17,215,308, plus strand): 5'-CATCCTCACACCCCACAGGGTGGAGGGTGGAACGTGCGGCTGCGTGGACCTCCACGATGA[C>T]AGCAAACTCTGTAACAACACAAGGCCCGTGGCTCCTCATCTCCCCCATGCTCCTCACCTC-3'
Protein context (NP_659434.2, residues 427-447): PPHVLSSEFA[Val437Ile]IVEVHAAARS

ClinVar aggregate classification (germline): Uncertain significance. Review status: criteria provided, multiple submitters, no conflicts (2 of 4 stars). 2 submissions from 2 submitters: Uncertain significance (2). Last evaluated 2025-12-01.

Conditions:
Hereditary cancer-predisposing syndrome. Also called: Neoplastic Syndromes, Hereditary; Tumor predisposition; Hereditary Cancer Syndrome; Hereditary neoplastic syndrome. Identifiers: Orphanet 140162, MedGen C0027672, MeSH D009386, MONDO:0015356.
Birt-Hogg-Dube syndrome. Also called: Birt Hogg Dubé syndrome. Identifiers: Orphanet 122, MedGen C0346010, MONDO:0800444.

gnomAD v4.1: 1 of 1,614,034 alleles (0.000062%); no homozygotes.

Submissions (2):

Labcorp Genetics (formerly Invitae), Labcorp
Classification: Uncertain significance for Birt-Hogg-Dube syndrome. Last evaluated: 2025-12-01. Review status: criteria provided, single submitter. Criteria: Invitae Variant Classification Sherloc (09022015). Collection method: clinical testing. Allele origin: germline.
Comment: This sequence change replaces valine, which is neutral and non-polar, with isoleucine, which is neutral and non-polar, at codon 437 of the FLCN protein (p.Val437Ile). This variant is present in population databases (rs772207015, gnomAD no frequency). This variant has not been reported in the literature in individuals affected with FLCN-related conditions. ClinVar contains an entry for this variant (Variation ID: 4257918). Invitae Evidence Modeling of protein sequence and biophysical properties (such as structural, functional, and spatial information, amino acid conservation, physicochemical variation, residue mobility, and thermodynamic stability) indicates that this missense variant is not expected to disrupt FLCN protein function with a negative predictive value of 80%. In summary, the available evidence is currently insufficient to determine the role of this variant in disease. Therefore, it has been classified as a Variant of Uncertain Significance.

Ambry Genetics
Classification: Uncertain significance for Hereditary cancer-predisposing syndrome. Last evaluated: 2025-07-10. Review status: criteria provided, single submitter. Criteria: Ambry Variant Classification Scheme 2023. Collection method: clinical testing. Allele origin: germline.
Comment: The p.V437I variant (also known as c.1309G>A), located in coding exon 9 of the FLCN gene, results from a G to A substitution at nucleotide position 1309. The valine at codon 437 is replaced by isoleucine, an amino acid with highly similar properties. This amino acid position is highly conserved in available vertebrate species. In addition, the in silico prediction for this alteration is inconclusive. Based on the available evidence, the clinical significance of this variant remains unclear.